The following is an entry in ClinVar:

NM_006206.6(PDGFRA):c.2574C>G (p.Pro858=)

Gene: PDGFRA (platelet derived growth factor receptor alpha; plus strand). Cytogenetic location: 4q12.
Variant type: single nucleotide variant.
Coding change: c.2574C>G on transcript NM_006206.6 (MANE Select); coding-DNA position 2574, C replaced by G.
Protein change: p.Pro858=; no amino-acid change (proline 858 retained).
Molecular consequence: synonymous variant.
Genome position (GRCh38, 1-based): chr4:54,287,441, C>G. VCF-style: chr4-54287441-C-G. GRCh37 (hg19) VCF-style: chr4-55153608-C-G.
Other names: c.2574C>G (NM_006206.5, NM_006206.4); c.2649C>G, p.Pro883= (NM_001347828.2); c.2574C>G, p.Pro858= (NM_001347829.2); c.2613C>G, p.Pro871= (NM_001347830.2).
Identifiers: ClinVar variation 1122169 (VCV001122169.20), dbSNP rs771421611, ClinGen allele CA439287935.

ClinVar aggregate classification (germline): Likely benign. Review status: criteria provided, multiple submitters, no conflicts (2 of 4 stars). 3 submissions from 3 submitters: Likely benign (2). 1 of the submissions does not count toward it. Last evaluated 2026-01-18.

Conditions:
PDGFRA-related disorder. Also called: PDGFRA-related condition.
Gastrointestinal stromal tumor. Also called: Gastrointestinal stroma tumor; Gastrointestinal stromal tumor, somatic. Identifiers: Orphanet 44890, MedGen C0238198, MeSH D046152, MONDO:0011719, OMIM 606764, HP:0100723.
Hereditary cancer-predisposing syndrome. Also called: Neoplastic Syndromes, Hereditary; Hereditary Cancer Syndrome; Hereditary neoplastic syndrome; Tumor predisposition. Identifiers: Orphanet 140162, MedGen C0027672, MeSH D009386, MONDO:0015356.

Submissions (3):

Labcorp Genetics (formerly Invitae), Labcorp
Classification: Likely benign for Gastrointestinal stromal tumor. Last evaluated: 2026-01-18. Review status: criteria provided, single submitter. Criteria: Invitae Variant Classification Sherloc (09022015). Collection method: clinical testing. Allele origin: germline.

Ambry Genetics
Classification: Likely benign for Hereditary cancer-predisposing syndrome. Last evaluated: 2023-01-27. Review status: criteria provided, single submitter. Criteria: Ambry Variant Classification Scheme 2023. Collection method: clinical testing. Allele origin: germline.

PreventionGenetics, part of Exact Sciences
Classification: Likely benign for PDGFRA-related condition. Last evaluated: 2023-05-25. Review status: no assertion criteria provided. Collection method: clinical testing. Allele origin: germline. Not counted in ClinVar's aggregate classification.
Comment: This variant is classified as likely benign based on ACMG/AMP sequence variant interpretation guidelines (Richards et al. 2015 PMID: 25741868, with internal and published modifications).